The following is an entry in ClinVar:

ClinVar aggregate classification (germline): Uncertain significance (1 of 4 stars; one submission).

Conditions:
Thrombophilia due to protein S deficiency, autosomal recessive (THPH6). Identifiers: Orphanet 743, MedGen C3281092, MONDO:0013791, OMIM 614514. Disease mechanism: loss of function.

Submission:

Labcorp Genetics (formerly Invitae), Labcorp
Classification: Uncertain significance for Thrombophilia due to protein S deficiency, autosomal recessive. Last evaluated: 2022-11-11. Review status: criteria provided, single submitter. Criteria: Invitae Variant Classification Sherloc (09022015). Collection method: clinical testing. Allele origin: germline.
Comment: In summary, the available evidence is currently insufficient to determine the role of this variant in disease. Therefore, it has been classified as a Variant of Uncertain Significance. Advanced modeling of protein sequence and biophysical properties (such as structural, functional, and spatial information, amino acid conservation, physicochemical variation, residue mobility, and thermodynamic stability) has been performed at Invitae for this missense variant, however the output from this modeling did not meet the statistical confidence thresholds required to predict the impact of this variant on PROS1 protein function. This variant has not been reported in the literature in individuals affected with PROS1-related conditions. This variant is not present in population databases (gnomAD no frequency). This sequence change replaces proline, which is neutral and non-polar, with arginine, which is basic and polar, at codon 20 of the PROS1 protein (p.Pro20Arg).

NM_000313.4(PROS1):c.59C>G (p.Pro20Arg)

Gene: PROS1 (protein S; minus strand). Cytogenetic location: 3q11.1.
Variant type: single nucleotide variant.
Coding change: c.59C>G on transcript NM_000313.4 (MANE Select); coding-DNA position 59, C replaced by G.
Protein change: p.Pro20Arg; replaces proline 20 with arginine.
Molecular consequence: missense variant.
Genome position (GRCh38, 1-based): chr3:93,973,691, G>C on the plus strand (C>G on the coding strand, the complement: PROS1 is on the minus strand). VCF-style: chr3-93973691-G-C. GRCh37 (hg19) VCF-style: chr3-93692535-G-C.
Other names: c.59C>G, p.Pro20Arg (NM_001314077.2); short protein forms P20R.
Identifiers: ClinVar variation 1721146 (VCV001721146.5), dbSNP rs1709918238, ClinGen allele CA353674207.